The following is an entry in ClinVar:

NM_000133.4(F9):c.*606G>A

Gene: F9 (coagulation factor IX; plus strand). Cytogenetic location: Xq27.1.
Variant type: single nucleotide variant.
Coding change: c.*606G>A on transcript NM_000133.4 (MANE Select); 606 bases downstream of the stop codon, G replaced by A.
Molecular consequence: 3 prime UTR variant.
Genome position (GRCh38, 1-based): chrX:139,562,677, G>A. VCF-style: chrX-139562677-G-A. GRCh37 (hg19) VCF-style: chrX-138644836-G-A.
Other names: c.*606G>A (NM_001313913.2).
Identifiers: ClinVar variation 368009 (VCV000368009.5), dbSNP rs191483077, ClinGen allele CA10653812.
Genomic context (GRCh38, chrX:139,562,677, plus strand): 5'-CAATCCCCAAATCAGTTTTTCTCTTTCTTACTCCCTCTCTCCCTTTTACCCTCCATGGTC[G>A]TTAAAGGAGAGATGGGGAGCATCATTCTGTTATACTTCTGTACACAGTTATACATGTCTA-3'

ClinVar aggregate classification (germline): Benign (1 of 4 stars; one submission).

Conditions:
Hereditary factor IX deficiency disease (HEMB). Also called: F9 DEFICIENCY; FACTOR IX DEFICIENCY; PLASMA THROMBOPLASTIN COMPONENT DEFICIENCY; Hemophilia B; Christmas Disease. Identifiers: Orphanet 98879, MedGen C0008533, MeSH D002836, MONDO:0010604, OMIM 306900.

Allele frequency attached by ClinVar (database versions not stated): 1000 Genomes Project 0.00106; 1000 Genomes Project 30x 0.00187; gnomAD exomes 0.00235; TOPMed 0.00366; gnomAD 0.00503 and 0.00507.
gnomAD v4.1: 553 of 110,460 alleles (0.5%); highest among the groups gnomAD compares: Non-Finnish European, 0.69%; 6 homozygotes.

Submission:

Illumina Laboratory Services, Illumina
Classification: Benign for Hereditary factor IX deficiency disease. Last evaluated: 2018-01-13. Review status: criteria provided, single submitter. Criteria: ICSL Variant Classification Criteria 13 December 2019. Collection method: clinical testing. Allele origin: germline.
Comment: This variant was observed in the ICSL laboratory as part of a predisposition screen in an ostensibly healthy population. It had not been previously curated by ICSL or reported in the Human Gene Mutation Database (HGMD: prior to June 1st, 2018), and was therefore a candidate for classification through an automated scoring system. Utilizing variant allele frequency, disease prevalence and penetrance estimates, and inheritance mode, an automated score was calculated to assess if this variant is too frequent to cause the disease. Based on the score and internal cut-off values, a variant classified as benign is not then subjected to further curation. The score for this variant resulted in a classification of benign for this disease.